The following is an entry in ClinVar:

ClinVar aggregate classification (germline): Pathogenic. Review status: criteria provided, multiple submitters, no conflicts (2 of 4 stars). 2 submissions from 2 submitters: Pathogenic (2). Last evaluated 2025-05-04.

Conditions:
Neurofibromatosis, type 2 (SWNV). Also called: BILATERAL ACOUSTIC NEUROFIBROMATOSIS; SCHWANNOMATOSIS, VESTIBULAR; NF2-Related Schwannomatosis. Identifiers: Orphanet 637, MedGen C0027832, MONDO:0007039, OMIM 101000. Disease mechanism: loss of function.
Hereditary cancer-predisposing syndrome. Also called: Tumor predisposition; Hereditary Cancer Syndrome; Hereditary neoplastic syndrome; Neoplastic Syndromes, Hereditary. Identifiers: Orphanet 140162, MedGen C0027672, MeSH D009386, MONDO:0015356.

Submissions (2):

Labcorp Genetics (formerly Invitae), Labcorp
Classification: Pathogenic for Neurofibromatosis, type 2. Last evaluated: 2025-05-04. Review status: criteria provided, single submitter. Criteria: Invitae Variant Classification Sherloc (09022015). Collection method: clinical testing. Allele origin: germline.
Comment: This sequence change affects a donor splice site in intron 2 of the NF2 gene. RNA analysis indicates that disruption of this splice site induces altered splicing and may result in an absent or altered protein product. This variant is not present in population databases (gnomAD no frequency). Disruption of this splice site has been observed in individuals with neurofibromatosis type 2 (PMID: 7913580, 8379998). Invitae Evidence Modeling of clinical and family history, age, sex, and reported ancestry of multiple individuals with this NF2 variant has been performed. This variant is expected to be pathogenic with a positive predictive value of at least 99%. This is a validated machine learning model that incorporates the clinical features of 14,809 individuals referred to our laboratory for NF2 testing. ClinVar contains an entry for this variant (Variation ID: 848788). Studies have shown that disruption of this splice site results in activation of a cryptic splice site, and produces a non-functional protein and/or introduces a premature termination codon (internal data). For these reasons, this variant has been classified as Pathogenic.

Ambry Genetics
Classification: Pathogenic for Hereditary cancer-predisposing syndrome. Last evaluated: 2024-12-20. Review status: criteria provided, single submitter. Criteria: Ambry Variant Classification Scheme 2023. Collection method: clinical testing. Allele origin: germline.
Comment: The c.240+1G>C intronic pathogenic mutation results from a G to C substitution one nucleotide after coding exon 2 of the NF2 gene. Alterations that disrupt the canonical splice site are expected to result in aberrant splicing. This variant was reported in individuals with features consistent with NF2-related schwannomatosis (MacCollin M et al. Am J Hum Genet, 1994 Aug;55:314-20; Wallace AJ et al. Genet Test, 2004;8:368-80; Ambry internal data). Other variants impacting the same donor site (c.240G>A, c.240+1G>T) have been identified in individuals with features consistent with NF2-related schwannomatosis (Ambry internal data). In silico splice site analysis predicts that c.240+1G>C will weaken the native splice donor site and may result in the creation or strengthening of a novel splice donor site. A resulting transcript is predicted to be in-frame and is not expected to trigger nonsense-mediated mRNA decay; however, the region predicted to be impacted is critical for protein function (Ambry internal data). This variant is considered to be rare based on population cohorts in the Genome Aggregation Database (gnomAD). This nucleotide position is highly conserved in available vertebrate species. Based on the supporting evidence, this variant is interpreted as a disease-causing mutation.

Literature cited by the submitters: PubMed 7913580 (cited by Labcorp Genetics (formerly Invitae), Labcorp and Ambry Genetics); PubMed 8379998 (cited by Labcorp Genetics (formerly Invitae), Labcorp); PubMed 15684865 (cited by Ambry Genetics).

NM_000268.4(NF2):c.240+1G>C

Gene: NF2 (NF2, moesin-ezrin-radixin like (MERLIN) tumor suppressor; plus strand). Cytogenetic location: 22q12.2.
Variant type: single nucleotide variant.
Coding change: c.240+1G>C on transcript NM_000268.4 (MANE Select); the canonical splice donor site of the intron after coding-DNA position 240, G replaced by C.
Molecular consequence: splice donor variant. On other transcripts: 5 prime UTR variant (1), intron variant (6).
Genome position (GRCh38, 1-based): chr22:29,636,877, G>C. VCF-style: chr22-29636877-G-C. GRCh37 (hg19) VCF-style: chr22-30032866-G-C.
Other names: c.-16G>C (NM_001407067.1); c.240+1G>C (NM_016418.5, NM_181832.3, NM_001407060.1 and 9 more transcripts); c.126+1G>C (NM_001407056.1, NM_001407053.1); c.-401+1G>C (NM_001407065.1); c.115-2213G>C (NM_181828.3, NM_001407055.1); c.115-5325G>C (NM_001407063.1, NM_181830.3, NM_001407064.1 and 1 more transcripts).
Identifiers: ClinVar variation 848788 (VCV000848788.13), dbSNP rs587776562, ClinGen allele CA411152739.